The following is an entry in ClinVar:

ClinVar aggregate classification (germline): Pathogenic. Review status: criteria provided, single submitter (1 of 4 stars). 2 submissions from 2 submitters: Pathogenic (1). 1 of the submissions does not count toward it. Last evaluated 2023-01-25.

Conditions:
Tuberous sclerosis syndrome (TSC). Also called: Tuberous Sclerosis Complex; Tuberous sclerosis. Identifiers: Orphanet 805, MedGen C0041341, MONDO:0001734.
Tuberous sclerosis 1 (TSC1). Identifiers: Orphanet 805, MedGen C1854465, MONDO:0008612, OMIM 191100.

Submissions (2):

Labcorp Genetics (formerly Invitae), Labcorp
Classification: Pathogenic for Tuberous sclerosis 1. Last evaluated: 2023-01-25. Review status: criteria provided, single submitter. Criteria: Invitae Variant Classification Sherloc (09022015). Collection method: clinical testing. Allele origin: germline.
Comment: This variant is not present in population databases (gnomAD no frequency). This sequence change creates a premature translational stop signal (p.Glu609*) in the TSC1 gene. It is expected to result in an absent or disrupted protein product. Loss-of-function variants in TSC1 are known to be pathogenic (PMID: 10227394, 17304050). This premature translational stop signal has been observed in individual(s) with tuberous sclerosis complex (PMID: 11271387). ClinVar contains an entry for this variant (Variation ID: 48841). Algorithms developed to predict the effect of sequence changes on RNA splicing suggest that this variant may create or strengthen a splice site. For these reasons, this variant has been classified as Pathogenic.

Tuberous sclerosis database (TSC1)
No classification provided. Condition: TSC. Review status: no classification provided. Criteria: Tuberous Sclerosis Database Assertion Criteria 2015. Collection method: curation. Allele origin: germline. Affected: yes. Not counted in ClinVar's aggregate classification.

Literature cited by the submitters: PubMed 10227394 (cited by Labcorp Genetics (formerly Invitae), Labcorp); PubMed 17304050 (cited by Labcorp Genetics (formerly Invitae), Labcorp); PubMed 11271387 (cited by Labcorp Genetics (formerly Invitae), Labcorp).

NM_000368.5(TSC1):c.1825G>T (p.Glu609Ter)

Gene: TSC1 (TSC complex subunit 1; minus strand). Cytogenetic location: 9q34.13.
Variant type: single nucleotide variant.
Coding change: c.1825G>T on transcript NM_000368.5 (MANE Select); coding-DNA position 1825, G replaced by T.
Protein change: p.Glu609Ter; replaces glutamic acid 609 with a stop codon.
Molecular consequence: nonsense.
Genome position (GRCh38, 1-based): chr9:132,905,753, C>A on the plus strand (G>T on the coding strand, the complement: TSC1 is on the minus strand). VCF-style: chr9-132905753-C-A. GRCh37 (hg19) VCF-style: chr9-135781140-C-A.
Other names: c.1822G>T, p.Glu608Ter (NM_001162426.2); c.1672G>T, p.Glu558Ter (NM_001162427.2); c.1462G>T, p.Glu488Ter (NM_001362177.2); short protein forms E609*, E558*, E488*, E608*.
Identifiers: ClinVar variation 48841 (VCV000048841.5), dbSNP rs118203587, ClinGen allele CA005447.